The following is an entry in ClinVar:

ClinVar aggregate classification (germline): Benign/Likely benign. Review status: criteria provided, multiple submitters, no conflicts (2 of 4 stars). 2 submissions from 2 submitters: Benign (1); Likely benign (1). Last evaluated 2026-07-01.

Conditions:
Hereditary cancer-predisposing syndrome. Also called: Tumor predisposition; Hereditary Cancer Syndrome; Neoplastic Syndromes, Hereditary; Hereditary neoplastic syndrome. Identifiers: Orphanet 140162, MedGen C0027672, MeSH D009386, MONDO:0015356.
Familial adenomatous polyposis 1 (FAP1). Also called: FAMILIAL ADENOMATOUS POLYPOSIS 1, ATTENUATED; POLYPOSIS, ADENOMATOUS INTESTINAL. Identifiers: MedGen C2713442, MONDO:0021056, OMIM 175100. Disease mechanism: loss of function.

Submissions (2):

Ambry Genetics
Classification: Likely benign for Hereditary cancer-predisposing syndrome. Last evaluated: 2026-07-01. Review status: criteria provided, single submitter. Criteria: Ambry Variant Classification Scheme 2023. Collection method: clinical testing. Allele origin: germline.

Myriad Genetics, Inc.
Classification: Benign for Familial adenomatous polyposis 1. Last evaluated: 2024-03-21. Review status: criteria provided, single submitter. Criteria: Myriad Autosomal Dominant, Autosomal Recessive and X-Linked Classification Criteria (2023). Collection method: clinical testing. Allele origin: unknown.
Comment: This variant is considered benign. This variant is a silent/synonymous amino acid change and it is not expected to impact splicing.

NM_000038.6(APC):c.3495A>G (p.Lys1165=)

Gene: APC (APC regulator of Wnt signaling pathway; plus strand). Cytogenetic location: 5q22.2.
Variant type: single nucleotide variant.
Coding change: c.3495A>G on transcript NM_000038.6 (MANE Select); coding-DNA position 3495, A replaced by G.
Protein change: p.Lys1165=; no amino-acid change (lysine 1165 retained).
Molecular consequence: synonymous variant. On other transcripts: non-coding transcript variant (2).
Genome position (GRCh38, 1-based): chr5:112,839,089, A>G. VCF-style: chr5-112839089-A-G. GRCh37 (hg19) VCF-style: chr5-112174786-A-G.
Other names: c.3192A>G, p.Lys1064= (NM_001407460.1, NM_001407458.1, NM_001407459.1 and 1 more transcripts); c.3108A>G, p.Lys1036= (NM_001407467.1, NM_001407469.1); c.2646A>G, p.Lys882= (NM_001407470.1, NM_001354906.2); c.2343A>G, p.Lys781= (NM_001407471.1, NM_001407472.1); c.3246A>G, p.Lys1082= (NM_001407454.1, NM_001407455.1, NM_001407456.1 and 1 more transcripts); c.3495A>G, p.Lys1165= (NM_001127510.3, NM_001354895.2, NM_001407450.1); c.3441A>G, p.Lys1147= (NM_001127511.3); c.3549A>G, p.Lys1183= (NM_001354896.2, NM_001407447.1, NM_001407448.1 and 1 more transcripts); and 12 more.
Identifiers: ClinVar variation 3148278 (VCV003148278.2), dbSNP rs1765439878, ClinGen allele CA445963528.